The following is an entry in ClinVar:

NM_000152.5(GAA):c.2084dup (p.Met695fs)

Gene: GAA (alpha glucosidase; plus strand). Cytogenetic location: 17q25.3.
Variant type: Duplication.
Coding change: c.2084dup on transcript NM_000152.5 (MANE Select); coding-DNA position 2084, one base duplicated (T; older notation c.2084dupT).
Protein change: p.Met695fs; shifts the reading frame from methionine 695.
Molecular consequence: frameshift variant.
Genome position (GRCh38, 1-based): chr17:80,113,261, T duplicated. VCF-style (leftmost placement, unchanged base first): chr17-80113260-A-AT. GRCh37 (hg19) VCF-style: chr17-78087059-A-AT.
Other names: c.2084dup, p.Met695fs (NM_001406741.1, NM_001406742.1, NM_001079803.3 and 1 more transcripts); short protein forms M695fs.
Identifiers: ClinVar variation 4876607 (VCV004876607.1).

ClinVar aggregate classification (germline): Likely pathogenic (1 of 4 stars; one submission).

Conditions:
Glycogen storage disease, type II (IOPD). Also called: Pompe Disease; CARDIOMEGALIA GLYCOGENICA DIFFUSA; GLYCOGENOSIS, GENERALIZED, CARDIAC FORM; GSD II; POMPE DISEASE, INFANTILE-ONSET; GLYCOGEN STORAGE DISEASE II, INFANTILE-ONSET. Identifiers: Orphanet 365, MedGen C0017921, MONDO:0009290, OMIM 232300.

Submission:

Genomenon, Inc
Classification: Likely pathogenic for Glycogen storage disease, type II. Last evaluated: 2026-07-01. Review status: criteria provided, single submitter. Criteria: Genomenon Sequence Variant Interpretation Standards - Updated. Collection method: curation. Allele origin: germline. Affected: no.
Comment: GAA p.Met695IlefsTer42 (c.2084dup) is a frameshift variant that is predicted to introduce a premature termination codon and result in a truncated or absent protein product. This variant has been reported in the published literature (PMID:31342611;33560568). It is absent or not present at a significant frequency in gnomAD. In conclusion, we classify GAA p.Met695IlefsTer42 (c.2084dup) as a likely pathogenic variant.

Literature cited by the submitters: PubMed 31342611; PubMed 33560568.